The following is an entry in ClinVar:

NM_006073.4(TRDN):c.1063del (p.Ala355fs)

Gene: TRDN (triadin; minus strand). Cytogenetic location: 6q22.31.
Variant type: Deletion.
Coding change: c.1063del on transcript NM_006073.4 (MANE Select); coding-DNA position 1063, one base deleted (G; older notation c.1063delG).
Protein change: p.Ala355fs; shifts the reading frame from alanine 355.
Molecular consequence: frameshift variant.
Genome position (GRCh38, 1-based): chr6:123,393,666, C deleted on the plus strand (G on the coding strand, the reverse complement: TRDN is on the minus strand). VCF-style (leftmost placement, unchanged base first): chr6-123393665-GC-G. GRCh37 (hg19) VCF-style: chr6-123714810-GC-G.
Other names: c.1066del, p.Ala356fs (NM_001251987.2); c.1006del, p.Ala336fs (NM_001407315.1); short protein forms A336fs, A355fs, A356fs.
Identifiers: ClinVar variation 3075857 (VCV003075857.1), dbSNP rs1772600582, ClinGen allele CA1660405153.

ClinVar aggregate classification (germline): no classifications from unflagged records (0 of 4 stars; one submission).

Conditions:
Catecholaminergic polymorphic ventricular tachycardia (CVPT). Also called: Catecholamine-induced polymorphic ventricular tachycardia. Identifiers: Orphanet 3286, MedGen C5574922, MONDO:0017990.

Allele frequency attached by ClinVar (database versions not stated): gnomAD exomes below 0.00001.

Submission:

Laboratory for Molecular Medicine, Mass General Brigham Personalized Medicine
Classification: Likely pathogenic for Catecholaminergic polymorphic ventricular tachycardia. Last evaluated: 2022-06-30. Review status: flagged submission. Criteria: ACMG Guidelines, 2015. Collection method: clinical testing. Allele origin: germline.
Comment: The p.Ala355fs variant in TRDN has not been previously reported in individuals with catecholaminergic polymorphic ventricular tachycardia (CPVT) and was absent from large population studies. This variant is predicted to cause a frameshift, which alters the protein’s amino acid sequence beginning at position 355 and leads to a premature termination codon 9 amino acids downstream. Loss of function of the TRDN gene is an established disease mechanism in autosomal recessive CPVT. In summary, although additional studies are required to fully establish its clinical significance, this variant meets criteria to be classified as likely pathogenic for autosomal recessive catecholaminergic polymorphic ventricular tachycardia. ACMG/AMP Criteria applied: PVS1, PM2_P.
ClinVar note: Notes: This variant occurs in exons 9-41 of the MANE Select NM_006073.4 transcript but no valid P/LP variants have been reported due to the predominant transcript in cardiac tissue being one with only 8 exons (NM_001256021.1). Please provide evidence to support this claim.
ClinVar note: Reason: Claim with insufficient supporting evidence